The following is an entry in ClinVar:

NM_003737.4(DCHS1):c.3820_3821insAG (p.Leu1274fs)

Gene: DCHS1 (dachsous cadherin-related 1; minus strand). Cytogenetic location: 11p15.4.
Variant type: Insertion.
Coding change: c.3820_3821insAG on transcript NM_003737.4 (MANE Select); coding-DNA positions 3820 to 3821, AG inserted.
Protein change: p.Leu1274fs; shifts the reading frame from leucine 1274.
Molecular consequence: frameshift variant.
Genome position: GRCh38 VCF-style: chr11-6631162-A-ACT. GRCh37 (hg19) VCF-style: chr11-6652393-A-ACT.
Other names: short protein forms L1274fs.
Identifiers: ClinVar variation 5042766 (VCV005042766.1).

ClinVar aggregate classification (germline): Pathogenic (1 of 4 stars; one submission).

Conditions:
Fetal anomalies with a likely genetic cause.

Submission:

Genetics Laboratory, Great Ormond Street Hospital NHS Foundation Trust, North Thames Genomic Laboratory Hub
Classification: Pathogenic for Fetal anomalies with a likely genetic cause. Last evaluated: 2026-09-15. Review status: criteria provided, single submitter. Criteria: ACGS Best Practice Guidelines for Variant Classification in Rare Disease 2024 v1.2. Collection method: clinical testing. Allele origin: germline. Affected: yes.
Comment: PM2_moderate, PVS1_very-strong